The following is an entry in ClinVar:

ClinVar aggregate classification (germline): Uncertain significance (1 of 4 stars; one submission).

Allele frequency attached by ClinVar (database versions not stated): gnomAD exomes below 0.00001.
gnomAD v4.1: 1 of 1,608,090 alleles (0.000062%); highest among the groups gnomAD compares: Non-Finnish European, 0.000085%; no homozygotes.

Submission:

Labcorp Genetics (formerly Invitae), Labcorp
Classification: Uncertain significance. Last evaluated: 2023-10-03. Review status: criteria provided, single submitter. Criteria: Invitae Variant Classification Sherloc (09022015). Collection method: clinical testing. Allele origin: germline.
Comment: This sequence change replaces asparagine, which is neutral and polar, with aspartic acid, which is acidic and polar, at codon 544 of the XPR1 protein (p.Asn544Asp). This variant is not present in population databases (gnomAD no frequency). This variant has not been reported in the literature in individuals affected with XPR1-related conditions. Advanced modeling of protein sequence and biophysical properties (such as structural, functional, and spatial information, amino acid conservation, physicochemical variation, residue mobility, and thermodynamic stability) has been performed at Invitae for this missense variant, however the output from this modeling did not meet the statistical confidence thresholds required to predict the impact of this variant on XPR1 protein function. In summary, the available evidence is currently insufficient to determine the role of this variant in disease. Therefore, it has been classified as a Variant of Uncertain Significance.

NM_004736.4(XPR1):c.1630A>G (p.Asn544Asp)

Gene: XPR1 (xenotropic and polytropic retrovirus receptor 1; plus strand). Cytogenetic location: 1q25.3.
Variant type: single nucleotide variant.
Coding change: c.1630A>G on transcript NM_004736.4 (MANE Select); coding-DNA position 1630, A replaced by G.
Protein change: p.Asn544Asp; replaces asparagine 544 with aspartic acid.
Molecular consequence: missense variant. On other transcripts: non-coding transcript variant (1).
Genome position (GRCh38, 1-based): chr1:180,863,836, A>G. VCF-style: chr1-180863836-A-G. GRCh37 (hg19) VCF-style: chr1-180832972-A-G.
Other names: c.1435A>G, p.Asn479Asp (NM_001135669.2); short protein forms N544D, N479D.
Identifiers: ClinVar variation 2851811 (VCV002851811.3), dbSNP rs2526013216, ClinGen allele CA343841925.